The following is an entry in ClinVar:

NM_001127511.3(APC):c.-72C>G

Gene: APC (APC regulator of Wnt signaling pathway; plus strand). Cytogenetic location: 5q22.2.
Variant type: single nucleotide variant.
Coding change: c.-72C>G on transcript NM_001127511.3; 72 bases upstream of the start codon, C replaced by G.
Molecular consequence: 5 prime UTR variant. On other transcripts: non-coding transcript variant (2).
Genome position (GRCh38, 1-based): chr5:112,707,646, C>G. VCF-style: chr5-112707646-C-G. GRCh37 (hg19) VCF-style: chr5-112043343-C-G.
Other names: c.-255C>G (NM_001354895.2, NM_001407447.1, NM_001407452.1 and 3 more transcripts); c.-72C>G (NM_001354897.2, NM_001354902.2, NM_001407446.1); c.-22C>G (NM_001407448.1, NM_001407450.1, NM_001407457.1 and 1 more transcripts); c.-46C>G (NM_001407453.1); c.-1290C>G (NM_001407470.1, NM_001407472.1).
Identifiers: ClinVar variation 2029175 (VCV002029175.4), dbSNP rs2149629990, ClinGen allele CA2580072312.
Genomic context (GRCh38, chr5:112,707,646, plus strand): 5'-GGGGGGGACCTGCGGGCTCAGGCCCGGGAGCTGCGGACCGAGGTTGGCTCGATGCTGTTC[C>G]CAGGTACTGTTGTTGGCTGTTGGTGAGGAAGGTGAAGCACTCAGTTGCCTTCTCGGGCCT-3'

ClinVar aggregate classification (germline): Uncertain significance (1 of 4 stars; one submission).

Conditions:
Familial adenomatous polyposis 1 (FAP1). Also called: FAMILIAL ADENOMATOUS POLYPOSIS 1, ATTENUATED; POLYPOSIS, ADENOMATOUS INTESTINAL. Identifiers: MedGen C2713442, MONDO:0021056, OMIM 175100. Disease mechanism: loss of function.

Submission:

Labcorp Genetics (formerly Invitae), Labcorp
Classification: Uncertain significance for Familial adenomatous polyposis 1. Last evaluated: 2022-09-06. Review status: criteria provided, single submitter. Criteria: Invitae Variant Classification Sherloc (09022015). Collection method: clinical testing. Allele origin: germline.
Comment: In summary, the available evidence is currently insufficient to determine the role of this variant in disease. Therefore, it has been classified as a Variant of Uncertain Significance. Experimental studies and prediction algorithms are not available or were not evaluated, and the functional significance of this variant is currently unknown. This variant has not been reported in the literature in individuals affected with APC-related conditions. This variant is not present in population databases (gnomAD no frequency). This variant occurs in a non-coding region of the APC gene. It does not change the encoded amino acid sequence of the APC protein.